The following is an entry in ClinVar:

ClinVar aggregate classification (germline): Uncertain significance (1 of 4 stars; one submission).

Conditions:
Cystic fibrosis (CF). Also called: MUCOVISCIDOSIS. Identifiers: Orphanet 586, MedGen C0010674, MONDO:0009061, OMIM 219700. Disease mechanism: loss of function.

Allele frequency attached by ClinVar (database versions not stated): gnomAD exomes below 0.00001.
gnomAD v4.1: 1 of 1,614,050 alleles (0.000062%); highest among the groups gnomAD compares: Non-Finnish European, 0.000085%; no homozygotes.

Submission:

Ambry Genetics
Classification: Uncertain significance for Cystic fibrosis. Last evaluated: 2021-08-20. Review status: criteria provided, single submitter. Criteria: Ambry Variant Classification Scheme 2023. Collection method: clinical testing. Allele origin: germline.
Comment: The p.V1340E variant (also known as c.4019T>A), located in coding exon 25 of the CFTR gene, results from a T to A substitution at nucleotide position 4019. The valine at codon 1340 is replaced by glutamic acid, an amino acid with dissimilar properties. This amino acid position is conserved. In addition, the in silico prediction for this alteration is inconclusive. Since supporting evidence is limited at this time, the clinical significance of this alteration remains unclear.

NM_000492.4(CFTR):c.4019T>A (p.Val1340Glu)

Gene: CFTR (CF transmembrane conductance regulator; plus strand). Cytogenetic location: 7q31.2.
Variant type: single nucleotide variant.
Coding change: c.4019T>A on transcript NM_000492.4 (MANE Select); coding-DNA position 4019, T replaced by A.
Protein change: p.Val1340Glu; replaces valine 1340 with glutamic acid.
Molecular consequence: missense variant.
Genome position (GRCh38, 1-based): chr7:117,664,743, T>A. VCF-style: chr7-117664743-T-A. GRCh37 (hg19) VCF-style: chr7-117304797-T-A.
Other names: short protein forms V1340E.
Identifiers: ClinVar variation 1737081 (VCV001737081.2), dbSNP rs1742664729, ClinGen allele CA368982240.